The following is an entry in ClinVar:

NM_004341.5(CAD):c.5992A>C (p.Thr1998Pro)

Gene: CAD (carbamoyl-phosphate synthetase 2, aspartate transcarbamylase, and dihydroorotase; plus strand). Cytogenetic location: 2p23.3.
Variant type: single nucleotide variant.
Coding change: c.5992A>C on transcript NM_004341.5 (MANE Select); coding-DNA position 5992, A replaced by C.
Protein change: p.Thr1998Pro; replaces threonine 1998 with proline.
Molecular consequence: missense variant.
Genome position (GRCh38, 1-based): chr2:27,242,019, A>C. VCF-style: chr2-27242019-A-C. GRCh37 (hg19) VCF-style: chr2-27464887-A-C.
Other names: c.5803A>C, p.Thr1935Pro (NM_001306079.2); short protein forms T1935P, T1998P.
Identifiers: ClinVar variation 5017248 (VCV005017248.1).

ClinVar aggregate classification (germline): Uncertain significance (1 of 4 stars; one submission).

Submission:

GeneDx
Classification: Uncertain significance. Last evaluated: 2026-03-24. Review status: criteria provided, single submitter. Criteria: GeneDx Variant Classification Process June 2021. Collection method: clinical testing. Allele origin: germline.
Comment: Not observed at significant frequency in large population cohorts (gnomAD); In silico analysis supports that this missense variant has a deleterious effect on protein structure/function; Has not been previously published as pathogenic or benign to our knowledge